The following is an entry in ClinVar:

ClinVar aggregate classification (germline): Uncertain significance (1 of 4 stars; one submission).

Conditions:
Cardiovascular phenotype. Identifiers: MedGen CN230736.

gnomAD v4.1: 3 of 1,614,098 alleles (0.00019%); highest among the groups gnomAD compares: Non-Finnish European, 0.00025%; no homozygotes.

Submission:

Ambry Genetics
Classification: Uncertain significance for Cardiovascular phenotype. Last evaluated: 2021-06-15. Review status: criteria provided, single submitter. Criteria: Ambry Variant Classification Scheme 2023. Collection method: clinical testing. Allele origin: germline.
Comment: The c.4959+5A>G intronic variant results from an A to G substitution 5 nucleotides after coding exon 31 in the MYH6 gene. This nucleotide position is highly conserved in available vertebrate species. In silico splice site analysis predicts that this alteration will not have any significant effect on splicing. Since supporting evidence is limited at this time, the clinical significance of this alteration remains unclear.

NM_002471.4(MYH6):c.4959+5A>G

Genes: MYH6 (myosin heavy chain 6; minus strand), LOC126861896 (BRD4-independent group 4 enhancer GRCh37_chr14:23854904-23856103; plus strand). Cytogenetic location: 14q11.2.
Variant type: single nucleotide variant.
Coding change: c.4959+5A>G on transcript NM_002471.4 (MANE Select); 5 bases into the intron after coding-DNA position 4959, A replaced by G.
Molecular consequence: intron variant.
Genome position (GRCh38, 1-based): chr14:23,386,310, T>C on the plus strand (A>G on the coding strand, the complement: MYH6 is on the minus strand). VCF-style: chr14-23386310-T-C. GRCh37 (hg19) VCF-style: chr14-23855519-T-C.
Identifiers: ClinVar variation 1744360 (VCV001744360.2), dbSNP rs981840089, ClinGen allele CA613317444.